The following is an entry in ClinVar:

ClinVar aggregate classification (germline): Pathogenic. Review status: reviewed by expert panel (3 of 4 stars). 2 submissions from 2 submitters: Pathogenic (1). 1 of the submissions does not count toward it. Last evaluated 2016-10-18.

Conditions:
Breast-ovarian cancer, familial, susceptibility to, 2 (BROVCA2). Also called: BRCA2 Hereditary Breast and Ovarian Cancer. Identifiers: Orphanet 145, MedGen C2675520, MONDO:0012933, OMIM 612555. Disease mechanism: loss of function.

Submissions (2):

Evidence-based Network for the Interpretation of Germline Mutant Alleles (ENIGMA)
Classification: Pathogenic for Breast-ovarian cancer, familial, susceptibility to, 2. Last evaluated: 2016-10-18. Review status: reviewed by expert panel. Criteria: ENIGMA BRCA1/2 Classification Criteria (2015). Collection method: curation. Allele origin: germline.
Comment: Variant allele predicted to encode a truncated non-functional protein.

Consortium of Investigators of Modifiers of BRCA1/2 (CIMBA), c/o University of Cambridge
Classification: Pathogenic for Breast-ovarian cancer, familial, susceptibility to, 2. Last evaluated: 2015-10-02. Review status: criteria provided, single submitter. Criteria: CIMBA Mutation Classification guidelines May 2016. Collection method: clinical testing. Allele origin: germline. Not counted in ClinVar's aggregate classification.

NM_000059.4(BRCA2):c.9352_9353insAT (p.Met3118fs)

Gene: BRCA2 (BRCA2 DNA repair associated; plus strand). Cytogenetic location: 13q13.1.
Variant type: Insertion.
Coding change: c.9352_9353insAT on transcript NM_000059.4 (MANE Select); coding-DNA positions 9352 to 9353, AT inserted.
Protein change: p.Met3118fs; shifts the reading frame from methionine 3118.
Molecular consequence: frameshift variant.
Genome position: GRCh38 VCF-style: chr13-32394784-A-AAT. GRCh37 (hg19) VCF-style: chr13-32968921-A-AAT.
Other names: 9580_9581insAT; short protein forms M3118fs.
Identifiers: ClinVar variation 267155 (VCV000267155.5), dbSNP rs886040834, ClinGen allele CA10589561.